The following is an entry in ClinVar:

NM_020964.3(EPG5):c.4916T>A (p.Ile1639Asn)

Gene: EPG5 (ectopic P-granules 5 autophagy tethering factor; minus strand). Cytogenetic location: 18q12.3.
Variant type: single nucleotide variant.
Coding change: c.4916T>A on transcript NM_020964.3 (MANE Select); coding-DNA position 4916, T replaced by A.
Protein change: p.Ile1639Asn; replaces isoleucine 1639 with asparagine.
Molecular consequence: missense variant.
Genome position (GRCh38, 1-based): chr18:45,889,834, A>T on the plus strand (T>A on the coding strand, the complement: EPG5 is on the minus strand). VCF-style: chr18-45889834-A-T. GRCh37 (hg19) VCF-style: chr18-43469799-A-T.
Other names: c.4916T>A (NM_020964.2); short protein forms I1639N.
Identifiers: ClinVar variation 1023423 (VCV001023423.6), dbSNP rs375030392, ClinGen allele CA8948722.

ClinVar aggregate classification (germline): Uncertain significance. Review status: criteria provided, multiple submitters, no conflicts (2 of 4 stars). 2 submissions from 2 submitters: Uncertain significance (2). Last evaluated 2025-09-28.

Conditions:
Inborn genetic diseases. Identifiers: MedGen C0950123, MeSH D030342.
Vici syndrome (VICIS). Identifiers: Orphanet 1493, MedGen C1855772, MONDO:0009452, OMIM 242840.

Allele frequency attached by ClinVar (database versions not stated): gnomAD 0.00001; ExAC 0.00003; ESP Exome Variant Server 0.00017; gnomAD exomes 0.00002; TOPMed 0.00002.
gnomAD v4.1: 61 of 1,611,844 alleles (0.0038%); highest among the groups gnomAD compares: Non-Finnish European, 0.0051%; no homozygotes.

Submissions (2):

Ambry Genetics
Classification: Uncertain significance for Inborn genetic diseases. Last evaluated: 2025-09-28. Review status: criteria provided, single submitter. Criteria: Ambry Variant Classification Scheme 2023. Collection method: clinical testing. Allele origin: germline.

Labcorp Genetics (formerly Invitae), Labcorp
Classification: Uncertain significance for Vici syndrome. Last evaluated: 2022-03-07. Review status: criteria provided, single submitter. Criteria: Invitae Variant Classification Sherloc (09022015). Collection method: clinical testing. Allele origin: germline.
Comment: This sequence change replaces isoleucine, which is neutral and non-polar, with asparagine, which is neutral and polar, at codon 1639 of the EPG5 protein (p.Ile1639Asn). This variant is present in population databases (rs375030392, gnomAD 0.006%). This variant has not been reported in the literature in individuals affected with EPG5-related conditions. ClinVar contains an entry for this variant (Variation ID: 1023423). Algorithms developed to predict the effect of missense changes on protein structure and function are either unavailable or do not agree on the potential impact of this missense change (SIFT: "Deleterious"; PolyPhen-2: "Benign"; Align-GVGD: "Class C0"). In summary, the available evidence is currently insufficient to determine the role of this variant in disease. Therefore, it has been classified as a Variant of Uncertain Significance.